The following is an entry in ClinVar:

ClinVar aggregate classification (germline): Likely benign (1 of 4 stars; one submission).

gnomAD v4.1: 925 of 1,612,836 alleles (0.057%); highest among the groups gnomAD compares: East Asian, 1.3%; 8 homozygotes.

Submission:

CeGaT Center for Human Genetics Tuebingen
Classification: Likely benign. Last evaluated: 2026-01-01. Review status: criteria provided, single submitter. Criteria: CeGaT Center For Human Genetics Tuebingen Variant Classification Criteria Version 2. Collection method: clinical testing. Allele origin: germline. Affected: yes. Observed: 2 variant alleles.
Comment: ATP9A: BP4, BP7, BS1

NM_006045.3(ATP9A):c.879C>T (p.Ile293=)

Gene: ATP9A (ATPase phospholipid transporting 9A; minus strand). Cytogenetic location: 20q13.2.
Variant type: single nucleotide variant.
Coding change: c.879C>T on transcript NM_006045.3 (MANE Select); coding-DNA position 879, C replaced by T.
Protein change: p.Ile293=; no amino-acid change (isoleucine 293 retained).
Molecular consequence: synonymous variant.
Genome position (GRCh38, 1-based): chr20:51,674,311, G>A on the plus strand (C>T on the coding strand, the complement: ATP9A is on the minus strand). VCF-style: chr20-51674311-G-A. GRCh37 (hg19) VCF-style: chr20-50290850-G-A.
Identifiers: ClinVar variation 3904872 (VCV003904872.10).
Genomic context (GRCh38, chr20:51,674,311, plus strand): 5'-CACCACCAGGGCACCAAAGAGGATCTTGGTGAGGCAGTTCACTTCCAAGTCGAACAGGCC[G>A]ATCTGTGGGACGAAGCACAAACCAGGGCTTGAGATGAGCTGGTGTAACTAATCTCAAACC-3'
Protein context (NP_006036.1, residues 283-303): VMNTSNPRSK[Ile293=]GLFDLEVNCL